The following is an entry in ClinVar:

NM_000051.4(ATM):c.6357A>T (p.Val2119=)

Genes: ATM (ATM serine/threonine kinase; plus strand), C11orf65 (chromosome 11 open reading frame 65; minus strand). Cytogenetic location: 11q22.3.
Variant type: single nucleotide variant.
Coding change: c.6357A>T on transcript NM_000051.4 (MANE Select); coding-DNA position 6357, A replaced by T.
Protein change: p.Val2119=; no amino-acid change (valine 2119 retained).
Molecular consequence: synonymous variant. On other transcripts: intron variant (2).
Genome position (GRCh38, 1-based): chr11:108,319,963, A>T. VCF-style: chr11-108319963-A-T. GRCh37 (hg19) VCF-style: chr11-108190690-A-T.
Other names: c.6357A>T, p.Val2119= (NM_001351834.2); c.641-10892T>A (NM_001330368.2); c.*39-10892T>A (NM_001351110.2).
Identifiers: ClinVar variation 414584 (VCV000414584.34), dbSNP rs1060504295, ClinGen allele CA16613103.

ClinVar aggregate classification (germline): Benign/Likely benign. Review status: criteria provided, multiple submitters, no conflicts (2 of 4 stars). 6 submissions from 6 submitters: Benign (2); Likely benign (4). Last evaluated 2025-06-12.

Conditions:
Hereditary cancer-predisposing syndrome. Also called: Neoplastic Syndromes, Hereditary; Hereditary Cancer Syndrome; Tumor predisposition; Hereditary neoplastic syndrome. Identifiers: Orphanet 140162, MedGen C0027672, MeSH D009386, MONDO:0015356.
Familial cancer of breast. Also called: Hereditary breast cancer; BREAST CANCER, FAMILIAL; hereditary breast carcinoma. Identifiers: Orphanet 227535, MedGen C0346153, MONDO:0016419, OMIM 114480. Disease mechanism: loss of function.
Ataxia-telangiectasia syndrome (AT). Also called: LOUIS-BAR SYNDROME; Cerebello-oculocutaneous telangiectasia; Immunodeficiency with ataxia telangiectasia; Ataxia-telangiectasia, complementation group D; AT, COMPLEMENTATION GROUP C; Ataxia-telangiectasia, complementation group E. Identifiers: Orphanet 100, MedGen C0004135, MONDO:0008840, OMIM 208900.

Allele frequency attached by ClinVar (database versions not stated): TOPMed 0.00001.
gnomAD v4.1: 8 of 1,609,420 alleles (0.0005%); highest among the groups gnomAD compares: Non-Finnish European, 0.0006%; no homozygotes.

Submissions (6):

Labcorp Genetics (formerly Invitae), Labcorp
Classification: Likely benign for Ataxia-telangiectasia syndrome. Last evaluated: 2025-06-12. Review status: criteria provided, single submitter. Criteria: Invitae Variant Classification Sherloc (09022015). Collection method: clinical testing. Allele origin: germline.

CeGaT Center for Human Genetics Tuebingen
Classification: Likely benign. Last evaluated: 2024-08-01. Review status: criteria provided, single submitter. Criteria: CeGaT Center For Human Genetics Tuebingen Variant Classification Criteria Version 2. Collection method: clinical testing. Allele origin: germline. Affected: yes. Observed: 1 variant allele.
Comment: ATM: BP4, BP7

Myriad Genetics, Inc.
Classification: Benign for Familial cancer of breast. Last evaluated: 2024-06-06. Review status: criteria provided, single submitter. Criteria: Myriad Autosomal Dominant, Autosomal Recessive and X-Linked Classification Criteria (2023). Collection method: clinical testing. Allele origin: unknown.
Comment: This variant is considered benign. This variant is a silent/synonymous amino acid change and it is not expected to impact splicing.

Ambry Genetics
Classification: Likely benign for Hereditary cancer-predisposing syndrome. Last evaluated: 2022-04-05. Review status: criteria provided, single submitter. Criteria: Ambry Variant Classification Scheme 2023. Collection method: clinical testing. Allele origin: germline.

Color Diagnostics, LLC DBA Color Health
Classification: Likely benign for Hereditary cancer-predisposing syndrome. Last evaluated: 2018-11-01. Review status: criteria provided, single submitter. Criteria: ACMG Guidelines, 2015. Collection method: clinical testing. Allele origin: germline.

GeneDx
Classification: Benign. Last evaluated: 2015-09-15. Review status: criteria provided, single submitter. Criteria: GeneDx Variant Classification Process June 2021. Collection method: clinical testing. Allele origin: germline. Affected: yes.